The following is an entry in ClinVar:

ClinVar aggregate classification (germline): Conflicting classifications of pathogenicity. Review status: criteria provided, conflicting classifications (1 of 4 stars). 6 submissions from 6 submitters: Uncertain significance (2); Likely benign (4). Last evaluated 2025-12-10.

Conditions:
FKRP-related disorder. Also called: FKRP-related condition.
Cardiovascular phenotype. Identifiers: MedGen CN230736.
Walker-Warburg congenital muscular dystrophy. Also called: Muscular dystrophy-dystroglycanopathy, type A; Walker-Warburg syndrome. Identifiers: Orphanet 899, MedGen C0265221, MONDO:0000171.

Allele frequency attached by ClinVar (database versions not stated): TOPMed 0.00001; gnomAD 0.00006.
gnomAD v4.1: 92 of 1,610,798 alleles (0.0057%); highest among the groups gnomAD compares: Middle Eastern, 0.033%; no homozygotes.

Submissions (6):

Labcorp Genetics (formerly Invitae), Labcorp
Classification: Likely benign for Walker-Warburg congenital muscular dystrophy. Last evaluated: 2025-12-10. Review status: criteria provided, single submitter. Criteria: Invitae Variant Classification Sherloc (09022015). Collection method: clinical testing. Allele origin: germline.

PreventionGenetics, part of Exact Sciences
Classification: Likely benign for FKRP-related condition. Last evaluated: 2025-04-30. Review status: criteria provided, single submitter. Criteria: ACMG Guidelines, 2015. Collection method: clinical testing. Allele origin: germline.
Comment: This variant is classified as likely benign based on ACMG/AMP sequence variant interpretation guidelines (Richards et al. 2015 PMID: 25741868, with internal and published modifications).

Blueprint Genetics
Classification: Likely benign. Last evaluated: 2024-05-08. Review status: criteria provided, single submitter. Criteria: ACMG Guidelines, 2015. Collection method: clinical testing. Allele origin: germline.

Ambry Genetics
Classification: Likely benign for Cardiovascular phenotype. Last evaluated: 2019-09-06. Review status: criteria provided, single submitter. Criteria: Ambry Variant Classification Scheme 2023. Collection method: clinical testing. Allele origin: germline.

Eurofins Ntd Llc (ga)
Classification: Uncertain significance. Last evaluated: 2015-09-16. Review status: criteria provided, single submitter. Criteria: EGL Classification Definitions 2015. Collection method: clinical testing. Allele origin: germline. Observed: 2 variant alleles, 2 heterozygotes.

Genetic Services Laboratory, University of Chicago
Classification: Uncertain significance. Last evaluated: 2015-07-20. Review status: criteria provided, single submitter. Criteria: ACMG Guidelines, 2015. Collection method: clinical testing. Allele origin: germline.

NM_024301.5(FKRP):c.1140G>A (p.Gly380=)

Gene: FKRP (fukutin related protein; plus strand). Cytogenetic location: 19q13.32.
Variant type: single nucleotide variant.
Coding change: c.1140G>A on transcript NM_024301.5 (MANE Select); coding-DNA position 1140, G replaced by A.
Protein change: p.Gly380=; no amino-acid change (glycine 380 retained).
Molecular consequence: synonymous variant.
Genome position (GRCh38, 1-based): chr19:46,756,590, G>A. VCF-style: chr19-46756590-G-A. GRCh37 (hg19) VCF-style: chr19-47259847-G-A.
Other names: c.1140G>A, p.Gly380= (NM_001039885.3).
Identifiers: ClinVar variation 211005 (VCV000211005.24), dbSNP rs552260353, ClinGen allele CA209044.